The following is an entry in ClinVar:

NM_006796.3(AFG3L2):c.*311C>T

Genes: AFG3L2 (AFG3 like matrix AAA peptidase subunit 2; minus strand), TUBB6 (tubulin beta 6 class V; plus strand). Cytogenetic location: 18p11.21.
Variant type: single nucleotide variant.
Coding change: c.*311C>T on transcript NM_006796.3 (MANE Select); 311 bases downstream of the stop codon, C replaced by T.
Molecular consequence: 3 prime UTR variant.
Genome position (GRCh38, 1-based): chr18:12,329,254, G>A on the plus strand (C>T on the coding strand, the complement: AFG3L2 is on the minus strand). VCF-style: chr18-12329254-G-A. GRCh37 (hg19) VCF-style: chr18-12329253-G-A.
Other names: c.*71G>A (NM_001303525.2).
Identifiers: ClinVar variation 326098 (VCV000326098.8), dbSNP rs79884272, ClinGen allele CA10641074.
Genomic context (GRCh38, chr18:12,329,254, plus strand): 5'-ACAAAGAGAAAGCATCCCTTCCCACACGCCAAGAGTCCAGTGCAACGATCCCTGCCACAC[G>A]GTCAGCCGACCCCACTTGGTGCCACAGGGTCCAGCCTCGGCCACTCTGGGCTCAACCTTT-3'

ClinVar aggregate classification (germline): Benign. Review status: criteria provided, multiple submitters, no conflicts (2 of 4 stars). 2 submissions from 2 submitters: Benign (2). Last evaluated 2018-01-12.

Conditions:
Spinocerebellar ataxia type 28 (SCA28). Also called: Spinocerebellar Ataxia Type 28 (SCA28). Identifiers: Orphanet 101109, MedGen C1853249, MONDO:0012450, OMIM 610246.

Allele frequency attached by ClinVar (database versions not stated): 1000 Genomes Project 0.01298; 1000 Genomes Project 30x 0.01280; TOPMed 0.01654.
gnomAD v4.1: 3,240 of 701,272 alleles (0.46%); highest among the groups gnomAD compares: African/African-American, 4.9%; 63 homozygotes.

Submissions (2):

Illumina Laboratory Services, Illumina
Classification: Benign for Spinocerebellar ataxia type 28. Last evaluated: 2018-01-12. Review status: criteria provided, single submitter. Criteria: ICSL Variant Classification Criteria 13 December 2019. Collection method: clinical testing. Allele origin: germline.
Comment: This variant was observed in the ICSL laboratory as part of a predisposition screen in an ostensibly healthy population. It had not been previously curated by ICSL or reported in the Human Gene Mutation Database (HGMD: prior to June 1st, 2018), and was therefore a candidate for classification through an automated scoring system. Utilizing variant allele frequency, disease prevalence and penetrance estimates, and inheritance mode, an automated score was calculated to assess if this variant is too frequent to cause the disease. Based on the score and internal cut-off values, a variant classified as benign is not then subjected to further curation. The score for this variant resulted in a classification of benign for this disease.

Breakthrough Genomics
Classification: Benign. Review status: criteria provided, single submitter. Criteria: ACMG Guidelines, 2015. Collection method: not provided. Allele origin: germline. Inheritance: Autosomal recessive inheritance. Affected: yes.